The following is an entry in ClinVar:

ClinVar aggregate classification (germline): Uncertain significance. Review status: criteria provided, multiple submitters, no conflicts (2 of 4 stars). 2 submissions from 2 submitters: Uncertain significance (2). Last evaluated 2025-10-18.

Conditions:
Epidermolysis bullosa simplex 5B, with muscular dystrophy (EBS5B). Also called: EPIDERMOLYSIS BULLOSA SIMPLEX AND LIMB-GIRDLE MUSCULAR DYSTROPHY; Epidermolysis bullosa simplex with muscular dystrophy. Identifiers: Orphanet 257, MedGen C2931072, MONDO:0009181, OMIM 226670.
Autosomal recessive limb-girdle muscular dystrophy type 2Q (LGMDR17). Also called: MUSCULAR DYSTROPHY, LIMB-GIRDLE, AUTOSOMAL RECESSIVE 17. Identifiers: Orphanet 254361, MedGen C3150989, MONDO:0013390, OMIM 613723.
Epidermolysis bullosa simplex, Ogna type (EBS5A). Also called: Pidermolysis bullosa simplex 5A, Ogna type; EPIDERMOLYSIS BULLOSA SIMPLEX 5A, OGNA TYPE. Identifiers: Orphanet 79401, MedGen C0432317, MONDO:0007555, OMIM 131950.
Epidermolysis bullosa simplex 5C, with pyloric atresia (EBS5C). Also called: PLEC-Related Epidermolysis Bullosa with Pyloric Atresia; Epidermolysis bullosa simplex with pyloric atresia; PLEC1-Related Epidermolysis Bullosa with Pyloric Atresia. Identifiers: Orphanet 158684, MedGen C2677349, MONDO:0012807, OMIM 612138.
Epidermolysis bullosa simplex with nail dystrophy (EBS5D). Identifiers: MedGen C4225309, MONDO:0014661, OMIM 616487.

Allele frequency attached by ClinVar (database versions not stated): ExAC 0.00001; gnomAD exomes 0.00001; TOPMed 0.00002.
gnomAD v4.1: 4 of 1,613,304 alleles (0.00025%); highest among the groups gnomAD compares: Admixed American, 0.005%; no homozygotes.

Submissions (2):

Labcorp Genetics (formerly Invitae), Labcorp
Classification: Uncertain significance for Autosomal recessive limb-girdle muscular dystrophy type 2Q; Epidermolysis bullosa simplex, Ogna type; Epidermolysis bullosa simplex with nail dystrophy; Epidermolysis bullosa simplex 5C, with pyloric atresia; Epidermolysis bullosa simplex 5B, with muscular dystrophy. Last evaluated: 2025-10-18. Review status: criteria provided, single submitter. Criteria: Invitae Variant Classification Sherloc (09022015). Collection method: clinical testing. Allele origin: germline.
Comment: This sequence change replaces aspartic acid, which is acidic and polar, with glutamic acid, which is acidic and polar, at codon 4369 of the PLEC protein (p.Asp4369Glu). This variant is present in population databases (rs782439067, gnomAD 0.009%). This variant has not been reported in the literature in individuals affected with PLEC-related conditions. ClinVar contains an entry for this variant (Variation ID: 1980629). Invitae Evidence Modeling of protein sequence and biophysical properties (such as structural, functional, and spatial information, amino acid conservation, physicochemical variation, residue mobility, and thermodynamic stability) has been performed for this missense variant. However, the output from this modeling did not meet the statistical confidence thresholds required to predict the impact of this variant on PLEC protein function. In summary, the available evidence is currently insufficient to determine the role of this variant in disease. Therefore, it has been classified as a Variant of Uncertain Significance.

Blueprint Genetics
Classification: Uncertain significance. Last evaluated: 2021-02-03. Review status: criteria provided, single submitter. Criteria: ACMG Guidelines, 2015. Collection method: clinical testing. Allele origin: germline.

NM_201384.3(PLEC):c.13026C>G (p.Asp4342Glu)

Gene: PLEC (plectin; minus strand). Cytogenetic location: 8q24.3.
Variant type: single nucleotide variant.
Coding change: c.13026C>G on transcript NM_201384.3 (MANE Select); coding-DNA position 13026, C replaced by G.
Protein change: p.Asp4342Glu; replaces aspartic acid 4342 with glutamic acid.
Molecular consequence: missense variant.
Genome position (GRCh38, 1-based): chr8:143,916,795, G>C on the plus strand (C>G on the coding strand, the complement: PLEC is on the minus strand). VCF-style: chr8-143916795-G-C. GRCh37 (hg19) VCF-style: chr8-144990963-G-C.
Other names: c.13107C>G, p.Asp4369Glu (NM_000445.5); c.9726C>G, p.Asp3242Glu (NM_001410941.1); c.12984C>G, p.Asp4328Glu (NM_201378.4); c.12960C>G, p.Asp4320Glu (NM_201379.3); c.13437C>G, p.Asp4479Glu (NM_201380.4); c.12930C>G, p.Asp4310Glu (NM_201381.3); c.13026C>G, p.Asp4342Glu (NM_201382.4); c.13038C>G, p.Asp4346Glu (NM_201383.3); short protein forms D4342E, D4320E, D4310E, D3242E, D4328E, D4346E, D4369E, D4479E.
Identifiers: ClinVar variation 1980629 (VCV001980629.5), dbSNP rs782439067, ClinGen allele CA4923921.
Genomic context (GRCh38, chr8:143,916,795, plus strand): 5'-TGGGTCCTCGAAGCCGCAGAAGGCCTTCTGGGCCAGGTTGATGCGGTCCACCATGATCTT[G>C]TCCACCAGGCCCTTGTTGACGGCGTCGGTGACAGGGAAGCGCTCACCGGTGCTGGGGTCG-3'
Protein context (NP_958786.1, residues 4332-4352): VTDAVNKGLV[Asp4342Glu]KIMVDRINLA